The following is an entry in ClinVar:

NM_000138.5(FBN1):c.6391T>C (p.Cys2131Arg)

Gene: FBN1 (fibrillin 1; minus strand). Cytogenetic location: 15q21.1.
Variant type: single nucleotide variant.
Coding change: c.6391T>C on transcript NM_000138.5 (MANE Select); coding-DNA position 6391, T replaced by C.
Protein change: p.Cys2131Arg; replaces cysteine 2131 with arginine.
Molecular consequence: missense variant.
Genome position (GRCh38, 1-based): chr15:48,437,066, A>G on the plus strand (T>C on the coding strand, the complement: FBN1 is on the minus strand). VCF-style: chr15-48437066-A-G. GRCh37 (hg19) VCF-style: chr15-48729263-A-G.
Other names: c.6391T>C, p.Cys2131Arg (NM_001406716.1); short protein forms C2131R.
Identifiers: ClinVar variation 1325440 (VCV001325440.2), dbSNP rs1555395210, ClinGen allele CA392336693.

ClinVar aggregate classification (germline): Pathogenic (1 of 4 stars; one submission).

Conditions:
Marfan syndrome (MFS). Also called: Marfan syndrome type 1; Marfan's syndrome; FBN1-Related Marfan Syndrome; MARFAN SYNDROME, TYPE I; Marfan syndrome, classic. Identifiers: Orphanet 284963, Orphanet 558, MedGen C0024796, MONDO:0007947, OMIM 154700.

Submission:

Centre of Medical Genetics, University of Antwerp
Classification: Pathogenic for Marfan syndrome. Last evaluated: 2021-03-01. Review status: criteria provided, single submitter. Criteria: Submitter's publication. Collection method: research. Allele origin: unknown. Affected: yes.
Comment: PM2, PVS2, PP4